The following is an entry in ClinVar:

NM_181882.3(PRX):c.4180G>A (p.Glu1394Lys)

Gene: PRX (periaxin; minus strand). Cytogenetic location: 19q13.2.
Variant type: single nucleotide variant.
Coding change: c.4180G>A on transcript NM_181882.3 (MANE Select); coding-DNA position 4180, G replaced by A.
Protein change: p.Glu1394Lys; replaces glutamic acid 1394 with lysine.
Molecular consequence: missense variant. On other transcripts: 3 prime UTR variant (1).
Genome position (GRCh38, 1-based): chr19:40,394,172, C>T on the plus strand (G>A on the coding strand, the complement: PRX is on the minus strand). VCF-style: chr19-40394172-C-T. GRCh37 (hg19) VCF-style: chr19-40900079-C-T.
Other names: c.4180G>A (NM_181882.2); c.*4385G>A (NM_020956.2); short protein forms E1394K.
Identifiers: ClinVar variation 917241 (VCV000917241.6), dbSNP rs1486029743, ClinGen allele CA405890406.

ClinVar aggregate classification (germline): Uncertain significance. Review status: criteria provided, multiple submitters, no conflicts (2 of 4 stars). 3 submissions from 3 submitters: Uncertain significance (3). Last evaluated 2025-04-07.

Conditions:
Inborn genetic diseases. Identifiers: MedGen C0950123, MeSH D030342.
Charcot-Marie-Tooth disease type 4. Also called: Charcot-Marie-Tooth, Type 4; Charcot-Marie-Tooth disease, type IV. Identifiers: Orphanet 64749, MedGen C4082197, MONDO:0018995.
Charcot-Marie-Tooth disease. Also called: Charcot-Marie-Tooth Hereditary Neuropathy; Charcot-Marie-Tooth Neuropathy. Identifiers: Orphanet 166, MedGen C0007959, MONDO:0015626.

Allele frequency attached by ClinVar (database versions not stated): gnomAD exomes below 0.00001 and 0.00001.
gnomAD v4.1: 5 of 1,587,556 alleles (0.00031%); highest among the groups gnomAD compares: Non-Finnish European, 0.00043%; no homozygotes.

Submissions (3):

Ambry Genetics
Classification: Uncertain significance for Inborn genetic diseases. Last evaluated: 2025-04-07. Review status: criteria provided, single submitter. Criteria: Ambry Variant Classification Scheme 2023. Collection method: clinical testing. Allele origin: germline.

Labcorp Genetics (formerly Invitae), Labcorp
Classification: Uncertain significance for Charcot-Marie-Tooth disease type 4. Last evaluated: 2022-01-15. Review status: criteria provided, single submitter. Criteria: Invitae Variant Classification Sherloc (09022015). Collection method: clinical testing. Allele origin: germline.
Comment: In summary, the available evidence is currently insufficient to determine the role of this variant in disease. Therefore, it has been classified as a Variant of Uncertain Significance. Algorithms developed to predict the effect of missense changes on protein structure and function output the following: SIFT: "Tolerated"; PolyPhen-2: "Possibly Damaging"; Align-GVGD: "Class C0". The lysine amino acid residue is found in multiple mammalian species, which suggests that this missense change does not adversely affect protein function. ClinVar contains an entry for this variant (Variation ID: 917241). This variant has not been reported in the literature in individuals affected with PRX-related conditions. This variant is present in population databases (no rsID available, gnomAD 0.002%). This sequence change replaces glutamic acid, which is acidic and polar, with lysine, which is basic and polar, at codon 1394 of the PRX protein (p.Glu1394Lys).

Molecular Genetics Laboratory, London Health Sciences Centre
Classification: Uncertain significance for Charcot-Marie-Tooth disease. Review status: criteria provided, single submitter. Criteria: ACMG Guidelines, 2015. Collection method: clinical testing. Allele origin: germline. Affected: yes.